The following is an entry in ClinVar:

NM_000059.4(BRCA2):c.441A>T (p.Gln147His)

Gene: BRCA2 (BRCA2 DNA repair associated; plus strand). Cytogenetic location: 13q13.1.
Variant type: single nucleotide variant.
Coding change: c.441A>T on transcript NM_000059.4 (MANE Select); coding-DNA position 441, A replaced by T.
Protein change: p.Gln147His; replaces glutamine 147 with histidine.
Molecular consequence: missense variant.
Genome position (GRCh38, 1-based): chr13:32,326,116, A>T. VCF-style: chr13-32326116-A-T. GRCh37 (hg19) VCF-style: chr13-32900253-A-T.
Other names: short protein forms Q147H.
Identifiers: ClinVar variation 126105 (VCV000126105.14), dbSNP rs80358676, ClinGen allele CA020162.

ClinVar aggregate classification (germline): Uncertain significance. Review status: criteria provided, multiple submitters, no conflicts (2 of 4 stars). 4 submissions from 4 submitters: Uncertain significance (3). 1 of the submissions does not count toward it. Last evaluated 2024-03-24.

Conditions:
Hereditary cancer-predisposing syndrome. Also called: Tumor predisposition; Hereditary Cancer Syndrome; Neoplastic Syndromes, Hereditary; Hereditary neoplastic syndrome. Identifiers: Orphanet 140162, MedGen C0027672, MeSH D009386, MONDO:0015356.
Hereditary breast ovarian cancer syndrome. Also called: Hereditary breast and ovarian cancer; Hereditary breast and/or ovarian cancer syndrome; BRCA1- and BRCA2-Associated Hereditary Breast and Ovarian Cancer; Hereditary breast and ovarian cancer syndrome; Hereditary breast and ovarian cancer syndrome (HBOC); Breast and ovarian cancer. Identifiers: Orphanet 145, MedGen C0677776, MeSH D061325, MONDO:0003582. Disease mechanism: loss of function.
Breast-ovarian cancer, familial, susceptibility to, 2 (BROVCA2). Also called: BRCA2 Hereditary Breast and Ovarian Cancer. Identifiers: Orphanet 145, MedGen C2675520, MONDO:0012933, OMIM 612555. Disease mechanism: loss of function.

Submissions (4):

Ambry Genetics
Classification: Uncertain significance for Hereditary cancer-predisposing syndrome. Last evaluated: 2024-03-24. Review status: criteria provided, single submitter. Criteria: Ambry Variant Classification Scheme 2023. Collection method: clinical testing. Allele origin: germline.
Comment: The p.Q147H variant (also known as c.441A>T), located in coding exon 4 of the BRCA2 gene, results from an A to T substitution at nucleotide position 441. The glutamine at codon 147 is replaced by histidine, an amino acid with highly similar properties. This amino acid position is poorly conserved in available vertebrate species. In addition, this alteration is predicted to be tolerated by in silico analysis. Based on the available evidence, the clinical significance of this alteration remains unclear.

All of Us Research Program, National Institutes of Health
Classification: Uncertain significance for Breast-ovarian cancer, familial, susceptibility to, 2. Last evaluated: 2023-11-20. Review status: criteria provided, single submitter. Criteria: ACMG Guidelines, 2015. Collection method: clinical testing. Allele origin: germline. Inheritance: Autosomal dominant inheritance. Observed: 1 variant allele, 1 heterozygote.
Comment: This missense variant replaces glutamine with histidine at codon 147 of the BRCA2 protein. Computational prediction suggests that this variant may not impact protein structure and function (internally defined REVEL score threshold <= 0.5, PMID: 27666373). To our knowledge, functional studies have not been reported for this variant. This variant has been reported in an individual affected with breast cancer (PMID: 12491487). This variant has not been identified in the general population by the Genome Aggregation Database (gnomAD). The available evidence is insufficient to determine the role of this variant in disease conclusively. Therefore, this variant is classified as a Variant of Uncertain Significance.

This study involves interpretation of variants in research participants for the purpose of population health screening. Participant phenotype was not available at the time of variant classification. Additional details can be found in publication PMID: 35346344, PMCID: PMC8962531

Labcorp Genetics (formerly Invitae), Labcorp
Classification: Uncertain significance for Hereditary breast ovarian cancer syndrome. Last evaluated: 2019-08-24. Review status: criteria provided, single submitter. Criteria: Invitae Variant Classification Sherloc (09022015). Collection method: clinical testing. Allele origin: germline.
Comment: In summary, the available evidence is currently insufficient to determine the role of this variant in disease. Therefore, it has been classified as a Variant of Uncertain Significance. Algorithms developed to predict the effect of missense changes on protein structure and function are either unavailable or do not agree on the potential impact of this missense change (SIFT: "Deleterious"; PolyPhen-2: "Benign"; Align-GVGD: "Class C0"). This variant has been observed in an individual affected with breast cancer (PMID: 12491487). ClinVar contains an entry for this variant (Variation ID: 126105). This variant is not present in population databases (ExAC no frequency). This sequence change replaces glutamine with histidine at codon 147 of the BRCA2 protein (p.Gln147His). The glutamine residue is weakly conserved and there is a small physicochemical difference between glutamine and histidine.

Breast Cancer Information Core (BIC) (BRCA2)
Classification: Uncertain significance for Breast-ovarian cancer, familial 2. Review status: no assertion criteria provided. Collection method: clinical testing. Allele origin: germline. Affected: yes. Observed: 1 variant allele. Not counted in ClinVar's aggregate classification.

Literature cited by the submitters: PubMed 12491487 (cited by All of Us Research Program, National Institutes of Health and Labcorp Genetics (formerly Invitae), Labcorp).